The following is an entry in ClinVar:

ClinVar aggregate classification (germline): Benign (0 of 4 stars; one submission).

Conditions:
EFCAB13-related disorder. Also called: EFCAB13-related condition.

Submissions (5):

PreventionGenetics, part of Exact Sciences
Classification: Benign for EFCAB13-related condition. Last evaluated: 2019-02-18. Review status: no assertion criteria provided. Collection method: clinical testing. Allele origin: germline.
Comment: This variant is classified as benign based on ACMG/AMP sequence variant interpretation guidelines (Richards et al. 2015 PMID: 25741868, with internal and published modifications).

Dr. Peter K. Rogan Lab, Western University
No classification provided (evidence only). Condition: Clear cell carcinoma of kidney. Review status: no classification provided. Collection method: in vitro. Allele origin: not applicable. Functional consequence: retained intron. Not counted in ClinVar's aggregate classification.

Dr. Peter K. Rogan Lab, Western University
No classification provided (evidence only). Condition: Papillary renal cell carcinoma type 1. Review status: no classification provided. Collection method: in vitro. Allele origin: not applicable. Functional consequence: skipped exon. Not counted in ClinVar's aggregate classification.

Dr. Peter K. Rogan Lab, Western University
No classification provided (evidence only). Condition: Papillary renal cell carcinoma type 1. Review status: no classification provided. Collection method: in vitro. Allele origin: not applicable. Functional consequence: skipped exon. Not counted in ClinVar's aggregate classification.

Dr. Peter K. Rogan Lab, Western University
No classification provided (evidence only). Condition: Gastric cancer. Review status: no classification provided. Collection method: in vitro. Allele origin: not applicable. Functional consequence: retained intron. Not counted in ClinVar's aggregate classification.

NM_152347.5(EFCAB13):c.1945+4_1945+7del

Gene: EFCAB13 (EF-hand calcium binding domain 13; plus strand). Cytogenetic location: 17q21.32.
Variant type: Deletion.
Coding change: c.1945+4_1945+7del on transcript NM_152347.5 (MANE Select); bases 4 to 7 of the intron after coding-DNA position 1945, 4 bases deleted (AGTG; older notation c.1945+4_1945+7delAGTG).
Molecular consequence: splice donor variant.
Genome position (GRCh38, 1-based): chr17:47,395,981-47,395,984, AGTG deleted; deleting any 4 consecutive bases within chr17:47,395,978-47,395,984 gives the same sequence; the c. name uses the placement nearest the transcript's 3' end. VCF-style (leftmost placement, unchanged base first): chr17-47395977-GGTGA-G. GRCh37 (hg19) VCF-style: chr17-45473343-GGTGA-G.
Other names: NC_000017.10:g.45473347_45473350del; c.1657+4_1657+7del (NM_001195192.2).
Identifiers: ClinVar variation 3044488 (VCV003044488.3), dbSNP rs144853553, ClinGen allele CA8624095.